The following is an entry in ClinVar:

ClinVar aggregate classification (germline): Uncertain significance. Review status: criteria provided, multiple submitters, no conflicts (2 of 4 stars). 2 submissions from 2 submitters: Uncertain significance (2). Last evaluated 2025-10-22.

Conditions:
Hereditary cancer-predisposing syndrome. Also called: Hereditary Cancer Syndrome; Hereditary neoplastic syndrome; Neoplastic Syndromes, Hereditary; Tumor predisposition. Identifiers: Orphanet 140162, MedGen C0027672, MeSH D009386, MONDO:0015356.
Ataxia-telangiectasia syndrome (AT). Also called: LOUIS-BAR SYNDROME; Cerebello-oculocutaneous telangiectasia; Immunodeficiency with ataxia telangiectasia; Ataxia telangiectasia (A-T); ATAXIA-TELANGIECTASIA, COMPLEMENTATION GROUP A; ATAXIA-TELANGIECTASIA, FRESNO VARIANT. Identifiers: Orphanet 100, MedGen C0004135, MONDO:0008840, OMIM 208900.

Submissions (2):

Ambry Genetics
Classification: Uncertain significance for Hereditary cancer-predisposing syndrome. Last evaluated: 2025-10-22. Review status: criteria provided, single submitter. Criteria: Ambry Variant Classification Scheme 2023. Collection method: clinical testing. Allele origin: germline.
Comment: The p.S1306N variant (also known as c.3917G>A), located in coding exon 25 of the ATM gene, results from a G to A substitution at nucleotide position 3917. The serine at codon 1306 is replaced by asparagine, an amino acid with highly similar properties. This amino acid position is conserved. In addition, this alteration is predicted to be tolerated by in silico analysis. Based on the available evidence, the clinical significance of this variant remains unclear.

Labcorp Genetics (formerly Invitae), Labcorp
Classification: Uncertain significance for Ataxia-telangiectasia syndrome. Last evaluated: 2023-10-05. Review status: criteria provided, single submitter. Criteria: Invitae Variant Classification Sherloc (09022015). Collection method: clinical testing. Allele origin: germline.
Comment: This sequence change replaces serine, which is neutral and polar, with asparagine, which is neutral and polar, at codon 1306 of the ATM protein (p.Ser1306Asn). This variant is not present in population databases (gnomAD no frequency). This variant has not been reported in the literature in individuals affected with ATM-related conditions. Algorithms developed to predict the effect of missense changes on protein structure and function output the following: SIFT: "Not Available"; PolyPhen-2: "Benign"; Align-GVGD: "Not Available". The asparagine amino acid residue is found in multiple mammalian species, which suggests that this missense change does not adversely affect protein function. In summary, the available evidence is currently insufficient to determine the role of this variant in disease. Therefore, it has been classified as a Variant of Uncertain Significance.

NM_000051.4(ATM):c.3917G>A (p.Ser1306Asn)

Gene: ATM (ATM serine/threonine kinase; plus strand). Cytogenetic location: 11q22.3.
Variant type: single nucleotide variant.
Coding change: c.3917G>A on transcript NM_000051.4 (MANE Select); coding-DNA position 3917, G replaced by A.
Protein change: p.Ser1306Asn; replaces serine 1306 with asparagine.
Molecular consequence: missense variant.
Genome position (GRCh38, 1-based): chr11:108,284,397, G>A. VCF-style: chr11-108284397-G-A. GRCh37 (hg19) VCF-style: chr11-108155124-G-A.
Other names: c.3917G>A, p.Ser1306Asn (NM_001351834.2); short protein forms S1306N.
Identifiers: ClinVar variation 2849044 (VCV002849044.4), dbSNP rs1555093629, ClinGen allele CA382525764.